The following is an entry in ClinVar:

NM_002087.4(GRN):c.835+1G>A

Gene: GRN (granulin precursor; plus strand). Cytogenetic location: 17q21.31.
Variant type: single nucleotide variant.
Coding change: c.835+1G>A on transcript NM_002087.4 (MANE Select); the canonical splice donor site of the intron after coding-DNA position 835, G replaced by A.
Molecular consequence: splice donor variant.
Genome position (GRCh38, 1-based): chr17:44,351,164, G>A. VCF-style: chr17-44351164-G-A. GRCh37 (hg19) VCF-style: chr17-42428532-G-A.
Other names: IVS8AS, G-A, +1.
Identifiers: ClinVar variation 16012 (VCV000016012.7), dbSNP rs606231221, ClinGen allele CA257408.

ClinVar aggregate classification (germline): Likely pathogenic. Review status: criteria provided, single submitter (1 of 4 stars). 2 submissions from 2 submitters: Likely pathogenic (1). 1 of the submissions does not count toward it. Last evaluated 2022-09-14.

Conditions:
GRN-related frontotemporal lobar degeneration with Tdp43 inclusions (FTD2). Also called: GRN Frontotemporal Dementia; FRONTOTEMPORAL DEMENTIA WITH TDP43 INCLUSIONS, GRN-RELATED; DEMENTIA, HEREDITARY DYSPHASIC DISINHIBITION; FRONTOTEMPORAL LOBAR DEGENERATION WITH UBIQUITIN-POSITIVE INCLUSIONS; FTLD-TDP, GRN-RELATED. Identifiers: Orphanet 100070, Orphanet 282, MedGen C1843792, MONDO:0011842, OMIM 607485. Disease mechanism: loss of function.
Neuronal ceroid lipofuscinosis 11. Also called: GRN-Related Neuronal Ceroid-Lipofuscinosis. Identifiers: Orphanet 314629, Orphanet 79262, MedGen C3539123, MONDO:0013866, OMIM 614706.

Allele frequency attached by ClinVar (database versions not stated): gnomAD exomes below 0.00001; TOPMed below 0.00001.
gnomAD v4.1: 2 of 1,614,136 alleles (0.00012%); highest among the groups gnomAD compares: Non-Finnish European, 0.00017%; no homozygotes.

Submissions (2):

Labcorp Genetics (formerly Invitae), Labcorp
Classification: Likely pathogenic for Neuronal ceroid lipofuscinosis 11; GRN-related frontotemporal lobar degeneration with Tdp43 inclusions. Last evaluated: 2022-09-14. Review status: criteria provided, single submitter. Criteria: Invitae Variant Classification Sherloc (09022015). Collection method: clinical testing. Allele origin: germline.
Comment: This sequence change affects a donor splice site in intron 8 of the GRN gene. RNA analysis indicates that disruption of this splice site induces altered splicing and may result in an absent or disrupted protein product. This variant is present in population databases (rs606231221, gnomAD 0.0009%). Disruption of this splice site has been observed in individual(s) with frontotemporal dementia (PMID: 16862116). This variant is also known as IVS8+1G>A. ClinVar contains an entry for this variant (Variation ID: 16012). Studies have shown that disruption of this splice site results in skipping of exon 8 and introduces a premature termination codon (PMID: 16862116). The resulting mRNA is expected to undergo nonsense-mediated decay. In summary, the currently available evidence indicates that the variant is pathogenic, but additional data are needed to prove that conclusively. Therefore, this variant has been classified as Likely Pathogenic.

OMIM
Classification: Pathogenic for FRONTOTEMPORAL DEMENTIA 2. Last evaluated: 2006-08-24. Review status: no assertion criteria provided. Collection method: literature only. Allele origin: germline. Not counted in ClinVar's aggregate classification.

Literature cited by the submitters: PubMed 16862116 (cited by Labcorp Genetics (formerly Invitae), Labcorp and OMIM).